The following is an entry in ClinVar:

ClinVar aggregate classification (germline): Uncertain significance (1 of 4 stars; one submission).

Submission:

Labcorp Genetics (formerly Invitae), Labcorp
Classification: Uncertain significance. Last evaluated: 2025-06-05. Review status: criteria provided, single submitter. Criteria: Invitae Variant Classification Sherloc (09022015). Collection method: clinical testing. Allele origin: germline.
Comment: This sequence change falls in intron 13 of the GFM1 gene. It does not directly change the encoded amino acid sequence of the GFM1 protein. It affects a nucleotide within the consensus splice site. This variant is not present in population databases (gnomAD no frequency). This variant has not been reported in the literature in individuals affected with GFM1-related conditions. Variants that disrupt the consensus splice site are a relatively common cause of aberrant splicing (PMID: 17576681, 9536098). Algorithms developed to predict the effect of sequence changes on RNA splicing suggest that this variant may disrupt the consensus splice site. In summary, the available evidence is currently insufficient to determine the role of this variant in disease. Therefore, it has been classified as a Variant of Uncertain Significance.

Literature cited by the submitters: PubMed 17576681; PubMed 9536098.

NM_024996.7(GFM1):c.1601+3A>T

Gene: GFM1 (G elongation factor mitochondrial 1; plus strand). Cytogenetic location: 3q25.32.
Variant type: single nucleotide variant.
Coding change: c.1601+3A>T on transcript NM_024996.7 (MANE Select); 3 bases into the intron after coding-DNA position 1601, A replaced by T.
Molecular consequence: intron variant.
Genome position (GRCh38, 1-based): chr3:158,666,389, A>T. VCF-style: chr3-158666389-A-T. GRCh37 (hg19) VCF-style: chr3-158384178-A-T.
Other names: c.1658+3A>T (NM_001308164.2); c.1376+3A>T (NM_001374357.1); c.1520+3A>T (NM_001374355.1); c.1484+3A>T (NM_001374356.1); c.1034+3A>T (NM_001374359.1, NM_001374360.1); c.917+3A>T (NM_001374361.1); c.1142+3A>T (NM_001374358.1); c.1601+3A>T (NM_001308166.2).
Identifiers: ClinVar variation 4720511 (VCV004720511.1).